The following is an entry in ClinVar:

NM_000444.6(PHEX):c.779del (p.Leu259_Leu260insTer)

Gene: PHEX (phosphate regulating endopeptidase homolog X-linked; plus strand). Cytogenetic location: Xp22.11.
Variant type: Deletion.
Coding change: c.779del on transcript NM_000444.6 (MANE Select); coding-DNA position 779, one base deleted (T; older notation c.779delT).
Protein change: p.Leu259_Leu260insTer.
Molecular consequence: nonsense.
Genome position (GRCh38, 1-based): chrX:22,094,029, T deleted; the last of 4 consecutive T bases (chrX:22,094,026-22,094,029); deleting any one gives the same sequence. VCF-style (leftmost placement, unchanged base first): chrX-22094025-CT-C. GRCh37 (hg19) VCF-style: chrX-22112143-CT-C.
Other names: c.779del, p.Leu259_Leu260insTer (NM_001282754.2).
Identifiers: ClinVar variation 817001 (VCV000817001.1), dbSNP rs886041569, ClinGen allele CA915950848.

ClinVar aggregate classification (germline): Pathogenic (1 of 4 stars; one submission).

Submission:

GeneDx
Classification: Pathogenic. Last evaluated: 2018-06-07. Review status: criteria provided, single submitter. Criteria: GeneDx Variant Classification (06012015). Collection method: clinical testing. Allele origin: germline. Affected: yes.
Comment: The c.779delT pathogenic variant in the PHEX gene causes a frameshift starting with codon Leucine 260, changes this amino acid to a premature Stop codon, denoted p.Leu460Ter. This pathogenic variant is predicted to cause loss of normal protein function either through protein truncation or nonsense-mediated mRNA decay. The c.779delT variant is not observed in large population cohorts (Lek et al., 2016).